The following is an entry in ClinVar:

NM_032122.5(DTNBP1):c.583C>T (p.Arg195Trp)

Gene: DTNBP1 (dystrobrevin binding protein 1; minus strand). Cytogenetic location: 6p22.3.
Variant type: single nucleotide variant.
Coding change: c.583C>T on transcript NM_032122.5 (MANE Select); coding-DNA position 583, C replaced by T.
Protein change: p.Arg195Trp; replaces arginine 195 with tryptophan.
Molecular consequence: missense variant. On other transcripts: non-coding transcript variant (1).
Genome position (GRCh38, 1-based): chr6:15,533,324, G>A on the plus strand (C>T on the coding strand, the complement: DTNBP1 is on the minus strand). VCF-style: chr6-15533324-G-A. GRCh37 (hg19) VCF-style: chr6-15533555-G-A.
Other names: c.340C>T, p.Arg114Trp (NM_001271667.2); c.532C>T, p.Arg178Trp (NM_001271668.2); c.478C>T, p.Arg160Trp (NM_001271669.2); c.583C>T, p.Arg195Trp (NM_183040.2); c.583C>T (NM_032122.4); short protein forms R195W, R114W, R160W, R178W.
Identifiers: ClinVar variation 1433536 (VCV001433536.6), dbSNP rs759738848, ClinGen allele CA3643979.
Genomic context (GRCh38, chr6:15,533,324, plus strand): 5'-AGCCAGTGGACAGGTACTGCTCCATGTCCTGCTGGAAGGCTTCCTCAAAAAACTTCTGCC[G>A]CTCCTTCAGCTTCATTTGCTGGGTGTGCTCCATTTCCAGGACCTTCTGGGCGTGCTCTGC-3'
Protein context (NP_115498.2, residues 185-205): EHTQQMKLKE[Arg195Trp]QKFFEEAFQQ

ClinVar aggregate classification (germline): Uncertain significance. Review status: criteria provided, multiple submitters, no conflicts (2 of 4 stars). 2 submissions from 2 submitters: Uncertain significance (2). Last evaluated 2023-10-28.

Conditions:
Inborn genetic diseases. Identifiers: MedGen C0950123, MeSH D030342.

Allele frequency attached by ClinVar (database versions not stated): ExAC 0.00001; gnomAD exomes 0.00001; gnomAD 0.00002; TOPMed 0.00003.
gnomAD v4.1: 71 of 1,614,092 alleles (0.0044%); highest among the groups gnomAD compares: Middle Eastern, 0.033%; no homozygotes.

Submissions (2):

Ambry Genetics
Classification: Uncertain significance for Inborn genetic diseases. Last evaluated: 2023-10-28. Review status: criteria provided, single submitter. Criteria: Ambry Variant Classification Scheme 2023. Collection method: clinical testing. Allele origin: germline.

Labcorp Genetics (formerly Invitae), Labcorp
Classification: Uncertain significance. Last evaluated: 2022-09-27. Review status: criteria provided, single submitter. Criteria: Invitae Variant Classification Sherloc (09022015). Collection method: clinical testing. Allele origin: germline.
Comment: This sequence change replaces arginine, which is basic and polar, with tryptophan, which is neutral and slightly polar, at codon 195 of the DTNBP1 protein (p.Arg195Trp). This variant is present in population databases (rs759738848, gnomAD 0.004%). This variant has not been reported in the literature in individuals affected with DTNBP1-related conditions. ClinVar contains an entry for this variant (Variation ID: 1433536). Advanced modeling of protein sequence and biophysical properties (such as structural, functional, and spatial information, amino acid conservation, physicochemical variation, residue mobility, and thermodynamic stability) performed at Invitae indicates that this missense variant is expected to disrupt DTNBP1 protein function. In summary, the available evidence is currently insufficient to determine the role of this variant in disease. Therefore, it has been classified as a Variant of Uncertain Significance.